The following is an entry in ClinVar:

ClinVar aggregate classification (germline): Benign/Likely benign. Review status: criteria provided, multiple submitters, no conflicts (2 of 4 stars). 10 submissions from 10 submitters: Benign (3); Likely benign (4). 3 of the submissions do not count toward it. Last evaluated 2025-10-28.

Conditions:
SHH-related disorder. Also called: SHH-related condition; SHH-related disorders.
Schizencephaly. Identifiers: Orphanet 799, MedGen C0266484, MONDO:0010011, OMIM 269160, HP:0010636.
Solitary median maxillary central incisor syndrome. Also called: Single Central Incisor Syndrome; FUSED INCISORS; SMMCI SYNDROME; SINGLE CENTRAL MAXILLARY INCISOR; Solitary median maxillary central incisor. Identifiers: MedGen C1840235, MONDO:0007819, OMIM 147250, HP:0006315.
Holoprosencephaly 3 (HPE3). Identifiers: Orphanet 2162, MedGen C1840529, MONDO:0007733, OMIM 142945.
Microphthalmia, isolated, with coloboma 5 (MCOPCB5). Also called: Microphthalmia with Coloboma 5; MICROPHTHALMIA/COLOBOMA 5. Identifiers: Orphanet 98938, MedGen C1968843, MONDO:0012709, OMIM 611638.

Allele frequency attached by ClinVar (database versions not stated): gnomAD exomes 0.00106 and 0.00331; TOPMed 0.00174; gnomAD 0.00191 and 0.00237; ExAC 0.00219; 1000 Genomes Project 0.00559; 1000 Genomes Project 30x 0.00609.

Submissions (10):

Labcorp Genetics (formerly Invitae), Labcorp
Classification: Benign for Holoprosencephaly 3. Last evaluated: 2025-10-28. Review status: criteria provided, single submitter. Criteria: Invitae Variant Classification Sherloc (09022015). Collection method: clinical testing. Allele origin: germline.

Blueprint Genetics
Classification: Likely benign. Last evaluated: 2024-11-15. Review status: criteria provided, single submitter. Criteria: ACMG Guidelines, 2015. Collection method: clinical testing. Allele origin: germline.

CeGaT Center for Human Genetics Tuebingen
Classification: Likely benign. Last evaluated: 2024-09-01. Review status: criteria provided, single submitter. Criteria: CeGaT Center For Human Genetics Tuebingen Variant Classification Criteria Version 2. Collection method: clinical testing. Allele origin: germline. Affected: yes. Observed: 1 variant allele.
Comment: SHH: PP2, PP3, BS1, BS2

Fulgent Genetics
Classification: Likely benign for Holoprosencephaly 3; Solitary median maxillary central incisor syndrome; Schizencephaly; Microphthalmia, isolated, with coloboma 5. Last evaluated: 2021-12-28. Review status: criteria provided, single submitter. Criteria: ACMG Guidelines, 2015. Collection method: clinical testing. Allele origin: unknown.

GeneDx
Classification: Benign. Last evaluated: 2019-07-23. Review status: criteria provided, single submitter. Criteria: GeneDx Variant Classification Process June 2021. Collection method: clinical testing. Allele origin: germline. Affected: yes.
Comment: This variant is associated with the following publications: (PMID: 32939873, 31180159, 20425842, 18655123, 10556296, 19533790)

Athena Diagnostics
Classification: Benign. Last evaluated: 2018-03-05. Review status: criteria provided, single submitter. Criteria: Athena Diagnostics Criteria. Collection method: clinical testing. Allele origin: germline.

Eurofins Ntd Llc (ga)
Classification: Likely benign. Last evaluated: 2014-10-20. Review status: criteria provided, single submitter. Criteria: EGL Classification Definitions 2015. Collection method: clinical testing. Allele origin: germline. Observed: 1 variant allele, 1 heterozygote.

PreventionGenetics, part of Exact Sciences
Classification: Likely benign for SHH-related condition. Last evaluated: 2019-04-25. Review status: no assertion criteria provided. Collection method: clinical testing. Allele origin: germline. Not counted in ClinVar's aggregate classification.
Comment: This variant is classified as likely benign based on ACMG/AMP sequence variant interpretation guidelines (Richards et al. 2015 PMID: 25741868, with internal and published modifications).

GeneReviews
Classification: Pathogenic for Holoprosencephaly. Last evaluated: 2013-08-29. Review status: no assertion criteria provided. Collection method: curation. Allele origin: unknown. Not counted in ClinVar's aggregate classification.
ClinVar note: Converted during submission from pathologic to Pathogenic.

OMIM
Classification: Uncertain significance for RECLASSIFIED - VARIANT OF UNKNOWN SIGNIFICANCE. Last evaluated: 2010-05-01. Review status: no assertion criteria provided. Collection method: literature only. Allele origin: germline. Not counted in ClinVar's aggregate classification.

Literature cited by the submitters: PubMed 19603532 (cited by Athena Diagnostics); PubMed 20157829 (cited by Athena Diagnostics); PubMed 18655123 (cited by 3 submitters); PubMed 19920144 (cited by Athena Diagnostics); PubMed 28127823 (cited by Athena Diagnostics); PubMed 19533790 (cited by Athena Diagnostics and Eurofins Ntd Llc (ga)); PubMed 21416594 (cited by Athena Diagnostics); PubMed 10556296 (cited by Eurofins Ntd Llc (ga) and OMIM); PubMed 20425842 (cited by Eurofins Ntd Llc (ga) and OMIM); Hamosh, A. Personal Communication. 2024. Baltimore, Md. (cited by OMIM); PubMed 12709790 (cited by OMIM).

NM_000193.4(SHH):c.869G>A (p.Gly290Asp)

Gene: SHH (sonic hedgehog signaling molecule; minus strand). Cytogenetic location: 7q36.3.
Variant type: single nucleotide variant.
Coding change: c.869G>A on transcript NM_000193.4 (MANE Select); coding-DNA position 869, G replaced by A.
Protein change: p.Gly290Asp; replaces glycine 290 with aspartic acid.
Molecular consequence: missense variant. On other transcripts: intron variant (1).
Genome position (GRCh38, 1-based): chr7:155,803,420, C>T on the plus strand (G>A on the coding strand, the complement: SHH is on the minus strand). VCF-style: chr7-155803420-C-T. GRCh37 (hg19) VCF-style: chr7-155596114-C-T.
Other names: c.869G>A; c.301+2876G>A (NM_001310462.2); c.869G>A (NM_000193.3); short protein forms G290D.
Identifiers: ClinVar variation 8887 (VCV000008887.39), dbSNP rs104894047, ClinGen allele CA128949.